The following is an entry in ClinVar:

NM_139058.3(ARX):c.309_341dup (p.Ala105_Ala115dup)

Genes: ARX (aristaless related homeobox; minus strand), LOC109610631 (aristaless related homeobox polyalanine expansion region; plus strand). Cytogenetic location: Xp21.3.
Variant type: Duplication.
Coding change: c.309_341dup on transcript NM_139058.3 (MANE Select); coding-DNA positions 309 to 341, 33 bases duplicated.
Protein change: p.Ala105_Ala115dup.
Molecular consequence: inframe insertion.
Genome position (GRCh38, 1-based): chrX:25,013,654-25,013,686, 33 bases duplicated; duplicating any 33 consecutive bases within chrX:25,013,654-25,013,697 gives the same sequence; the c. name uses the placement nearest the transcript's 3' end. GRCh37 (hg19): chrX:25,031,782-25,031,814.
Other names: c.298_330dupGCGGCAGCGGCGGCGGCGGCGGCGGCGGCGGCG (NM_139058.2).
Identifiers: ClinVar variation 11202 (VCV000011202.17), dbSNP rs1365611175, ClinGen allele CA891843652.

ClinVar aggregate classification (germline): Pathogenic. Review status: criteria provided, multiple submitters, no conflicts (2 of 4 stars). 3 submissions from 3 submitters: Pathogenic (2). 1 of the submissions does not count toward it. Last evaluated 2025-03-04.

Conditions:
Intellectual disability, X-linked, with or without seizures, ARX-related. Also called: Mental retardation, X-linked 52; INTELLECTUAL DEVELOPMENTAL DISORDER, X-LINKED 29; MENTAL RETARDATION, X-LINKED 29; MENTAL RETARDATION, X-LINKED 32; MENTAL RETARDATION, X-LINKED 33; MENTAL RETARDATION, X-LINKED 38. Identifiers: Orphanet 777, MedGen C0796244, MONDO:0010317, OMIM 300419.
Developmental and epileptic encephalopathy, 1 (DEE1). Also called: X-linked infantile spasms; West's syndrome; Tonic spasms with clustering, arrest of psychomotor development and hypsarrhythmia on EEG; X-Linked Infantile Spasm Syndrome; Epileptic encephalopathy, early infantile, 1; INFANTILE SPASM SYNDROME, X-LINKED 1. Identifiers: MedGen C3463992, MONDO:0010632, OMIM 308350. Disease mechanism: loss of function.

Submissions (3):

Institute of Human Genetics, University of Leipzig Medical Center
Classification: Pathogenic for Developmental and epileptic encephalopathy, 1. Last evaluated: 2025-03-04. Review status: criteria provided, single submitter. Criteria: ACMG Guidelines, 2015. Collection method: clinical testing. Allele origin: maternal. Affected: yes.

Labcorp Genetics (formerly Invitae), Labcorp
Classification: Pathogenic for Developmental and epileptic encephalopathy, 1; Intellectual disability, X-linked, with or without seizures, ARX-related. Last evaluated: 2022-06-16. Review status: criteria provided, single submitter. Criteria: Invitae Variant Classification Sherloc (09022015). Collection method: clinical testing. Allele origin: germline.
Comment: For these reasons, this variant has been classified as Pathogenic. This variant results in expansion of a poly-alanine tract in ARX. Expansions of the alanine tracts in ARX have been observed in individuals with ARX-related conditions (PMID: 11889467, 17664401, 23246292). This variant, c.309_341dup, results in the insertion of 11 amino acid(s) of the ARX protein (p.Ala105_Ala115dup), but otherwise preserves the integrity of the reading frame. The frequency data for this variant in the population databases is considered unreliable, as metrics indicate insufficient coverage at this position in the gnomAD database. This variant has been observed in individual(s) with early infantile epileptic encephalopathy (PMID: 17668384). In at least one individual the variant was observed to be de novo. This variant is also known as 298_330dupGCGGCA(GCG)9. ClinVar contains an entry for this variant (Variation ID: 11202).

OMIM
Classification: Pathogenic for DEVELOPMENTAL AND EPILEPTIC ENCEPHALOPATHY 1. Last evaluated: 2007-08-01. Review status: no assertion criteria provided. Collection method: literature only. Allele origin: germline. Not counted in ClinVar's aggregate classification.

Literature cited by the submitters: PubMed 11889467 (cited by Labcorp Genetics (formerly Invitae), Labcorp); PubMed 17664401 (cited by Labcorp Genetics (formerly Invitae), Labcorp); PubMed 23246292 (cited by Labcorp Genetics (formerly Invitae), Labcorp); PubMed 17668384 (cited by Labcorp Genetics (formerly Invitae), Labcorp and OMIM).